The following is an entry in ClinVar:

NM_007118.4(TRIO):c.5G>A (p.Ser2Asn)

Gene: TRIO (trio Rho guanine nucleotide exchange factor; plus strand). Cytogenetic location: 5p15.2.
Variant type: single nucleotide variant.
Coding change: c.5G>A on transcript NM_007118.4 (MANE Select); coding-DNA position 5, G replaced by A.
Protein change: p.Ser2Asn; replaces serine 2 with asparagine.
Molecular consequence: missense variant. On other transcripts: non-coding transcript variant (1).
Genome position (GRCh38, 1-based): chr5:14,143,730, G>A. VCF-style: chr5-14143730-G-A. GRCh37 (hg19) VCF-style: chr5-14143839-G-A.
Other names: short protein forms S2N.
Identifiers: ClinVar variation 4055775 (VCV004055775.1).

ClinVar aggregate classification (germline): Uncertain significance (1 of 4 stars; one submission).

Submission:

GeneDx
Classification: Uncertain significance. Last evaluated: 2025-01-05. Review status: criteria provided, single submitter. Criteria: GeneDx Variant Classification Process June 2021. Collection method: clinical testing. Allele origin: germline. Affected: yes.
Comment: Not observed at significant frequency in large population cohorts (gnomAD); In silico analysis indicates that this missense variant does not alter protein structure/function; Has not been previously published as pathogenic or benign to our knowledge